The following is an entry in ClinVar:

ClinVar aggregate classification (germline): Likely pathogenic. Review status: reviewed by expert panel (3 of 4 stars). 7 submissions from 7 submitters: Likely pathogenic (1). 6 of the submissions do not count toward it. Last evaluated 2025-01-30.

Conditions:
GUCY2D-related disorders.
GUCY2D-related recessive retinopathy. Also called: Recessive GUCY2D retinopathy. Identifiers: MedGen CN305603, MONDO:0100453.
GUCY2D-related disorder. Also called: GUCY2D-related condition.
Cone-rod dystrophy 6 (CORD6). Also called: RETINAL CONE DYSTROPHY 2; Cone dystrophy progressive. Identifiers: Orphanet 1872, MedGen C1866293, MONDO:0011143, OMIM 601777.
Leber congenital amaurosis 1 (LCA1). Also called: AMAUROSIS CONGENITA OF LEBER I; RETINAL BLINDNESS, CONGENITAL; Congenital absence of the rods and cones; Leber's congenital tapetoretinal degeneration; Leber's congenital tapetoretinal dysplasia. Identifiers: Orphanet 65, MedGen C2931258, MONDO:0008764, OMIM 204000.

Allele frequency attached by ClinVar (database versions not stated): ExAC 0.00002; gnomAD 0.00002 and 0.00003; gnomAD exomes 0.00002; TOPMed 0.00003; ESP Exome Variant Server 0.00008.

Submissions (7):

ClinGen Leber Congenital Amaurosis/early Onset Retinal Dystrophy Variant Curation Expert Panel, ClinGen
Classification: Likely pathogenic for GUCY2D-related recessive retinopathy. Last evaluated: 2025-01-30. Review status: reviewed by expert panel. Criteria: ClinGen LCAeoRD ACMG Specifications GUCY2D V1.0.0. Collection method: curation. Allele origin: germline. Inheritance: Autosomal recessive inheritance.
Comment: The NM_000180.4(GUCY2D):c.935C>T (p.Thr312Met) variant is predicted to replace the threonine at position p.312 with methionine. This variant is present in gnomAD v.4.1.0 at a total allele frequency of 0.000005599, with 9 alleles / 1,607,292 total alleles, which is lower than the ClinGen LCA/eoRD VCEP PM2_Supporting threshold of <0.0004 (PM2_Supporting). The computational predictor REVEL gives a score of 0.794, which is above the ClinGen LCA / eoRD VCEP threshold of ≥0.773 and predicts a damaging effect on RetGC-1 protein function (PP3_Moderate). This variant has been reported in at least 5 unrelated probands with early-onset severe retinal dystrophy who were compound heterozygous for the variant. The patient reported in PMID #19959640 has the p.Arg795Trp variant, unclassified by the LCA/eoRD VCEP, suspected in trans (not counted). The patient reported in PMID #26047050 has the p.Arg332Pro variant, currently unclassified, confirmed in trans (0.25 pts). The 2 unrelated patients reported in PMIDs #27375279 and #27422788 both have the p.Leu251Pro variant, currently unclassified, confirmed in trans (0.5 pts). The patient reported in PMID #27375279 has the p.Ser1007Leu variant, currently unclassified, confirmed in trans (0.25 points) (1 total point, PM3). At least one proband harboring this variant exhibits a phenotype including a diagnosis of LCA (0.5 pts) before age 1 (1 pt), nystagmus (1 pt), poor vision (1 pt), extinguished rod and cone ERGs (1.5 pts), attenuated vessels (0.5 pts) and no foveal reflex which together are specific for GUCY2D-related recessive retinopathy (total 5.5 points, PMID: 21602930, PP4). In summary, this variant meets the criteria to be classified as Likely Pathogenic for GUCY2D-related recessive retinopathy based on the ACMG/AMP criteria applied, as specified by the ClinGen LCA/eoRD VCEP: PM2_Supporting, PP3_Moderate, PP4, PM3. (VCEP specifications version 1.0.0; date of approval 01/22/2025).

3billion
Classification: Pathogenic for GUCY2D-related disorder. Last evaluated: 2025-05-22. Review status: criteria provided, single submitter. Criteria: ACMG Guidelines, 2015. Collection method: clinical testing. Allele origin: germline. Affected: yes. Not counted in ClinVar's aggregate classification.
Comment: The variant is observed at an extremely low frequency in the gnomAD v4.1.0 dataset (total allele frequency: <0.001%). Predicted Consequence/Location: Missense variant In silico tool predictions suggest damaging effect of the variant on gene or gene product [REVEL: 0.79 (>=0.6, sensitivity 0.68 and specificity 0.92); 3Cnet: 0.01 (> 0.75, sensitivity 0.96 and precision 0.92)]. The same nucleotide change resulting in the same amino acid change has been previously reported as pathogenic/likely pathogenic with strong evidence (ClinVar ID: VCV000098610 /PMID: 15691574, 26047050 /3billion dataset). The variant has been reported to be in trans with a pathogenic variant as either compound heterozygous or homozygous in at least one similarly affected unrelated individual (3billion dataset). Different missense changes at the same codon (p.Thr312Arg, p.Thr312Pro) have been reported to be associated with GUCY2D-related disorder (PMID: 17964524, 26047050). However the evidence of pathogenicity is insufficient at this time. Therefore, this variant is classified as Pathogenic according to the recommendation of ACMG/AMP guideline.

GeneDx
Classification: Uncertain significance. Last evaluated: 2024-11-13. Review status: criteria provided, single submitter. Criteria: GeneDx Variant Classification Process June 2021. Collection method: clinical testing. Allele origin: germline. Affected: yes. Not counted in ClinVar's aggregate classification.
Comment: In silico analysis supports that this missense variant has a deleterious effect on protein structure/function; This variant is associated with the following publications: (PMID: 15691574, 26047050, 20079931, 21602930, 26253563, 27375279, 27422788, 34048777, 17964524, 19959640, 31964843, 16205573, 29061346)

Blueprint Genetics
Classification: Likely pathogenic for GUCY2D-related disorders. Last evaluated: 2024-11-04. Review status: criteria provided, single submitter. Criteria: ACMG Guidelines, 2015. Collection method: clinical testing. Allele origin: germline. Affected: yes. Observed: 2 variant alleles. Not counted in ClinVar's aggregate classification.

Labcorp Genetics (formerly Invitae), Labcorp
Classification: Likely pathogenic for Leber congenital amaurosis 1; Cone-rod dystrophy 6. Last evaluated: 2023-12-12. Review status: criteria provided, single submitter. Criteria: Invitae Variant Classification Sherloc (09022015). Collection method: clinical testing. Allele origin: germline. Not counted in ClinVar's aggregate classification.
Comment: This sequence change replaces threonine, which is neutral and polar, with methionine, which is neutral and non-polar, at codon 312 of the GUCY2D protein (p.Thr312Met). This variant is present in population databases (rs61749673, gnomAD 0.03%). This missense change has been observed in individuals with autosomal recessive GUCY2D-related conditions (PMID: 15691574, 16205573, 19959640, 31964843, 34048777). ClinVar contains an entry for this variant (Variation ID: 98610). Advanced modeling of protein sequence and biophysical properties (such as structural, functional, and spatial information, amino acid conservation, physicochemical variation, residue mobility, and thermodynamic stability) has been performed at Invitae for this missense variant, however the output from this modeling did not meet the statistical confidence thresholds required to predict the impact of this variant on GUCY2D protein function. This variant disrupts the p.Thr312 amino acid residue in GUCY2D. Other variant(s) that disrupt this residue have been observed in individuals with GUCY2D-related conditions (PMID: 26047050), which suggests that this may be a clinically significant amino acid residue. In summary, the currently available evidence indicates that the variant is pathogenic, but additional data are needed to prove that conclusively. Therefore, this variant has been classified as Likely Pathogenic.

Laboratory of Genetics in Ophthalmology, Institut Imagine
Classification: Likely pathogenic for Leber congenital amaurosis 1. Review status: no assertion criteria provided. Collection method: research. Allele origin: inherited. Affected: yes. Observed: 1 variant allele. Not counted in ClinVar's aggregate classification.

Retina International
No classification provided. Review status: no classification provided. Collection method: not provided. Allele origin: not provided. Not counted in ClinVar's aggregate classification.

Literature cited by the submitters: PubMed 15691574 (cited by 3billion and Labcorp Genetics (formerly Invitae), Labcorp); PubMed 17964524 (cited by 3billion); PubMed 16205573 (cited by Labcorp Genetics (formerly Invitae), Labcorp and Laboratory of Genetics in Ophthalmology, Institut Imagine); PubMed 19959640 (cited by Labcorp Genetics (formerly Invitae), Labcorp); PubMed 31964843 (cited by Labcorp Genetics (formerly Invitae), Labcorp); PubMed 34048777 (cited by Labcorp Genetics (formerly Invitae), Labcorp); PubMed 26047050 (cited by Labcorp Genetics (formerly Invitae), Labcorp).

NM_000180.4(GUCY2D):c.935C>T (p.Thr312Met)

Gene: GUCY2D (guanylate cyclase 2D, retinal; plus strand). Cytogenetic location: 17p13.1.
Variant type: single nucleotide variant.
Coding change: c.935C>T on transcript NM_000180.4 (MANE Select); coding-DNA position 935, C replaced by T.
Protein change: p.Thr312Met; replaces threonine 312 with methionine.
Molecular consequence: missense variant.
Genome position (GRCh38, 1-based): chr17:8,004,065, C>T. VCF-style: chr17-8004065-C-T. GRCh37 (hg19) VCF-style: chr17-7907383-C-T.
Other names: NM_000180.4(GUCY2D):c.935C>T; short protein forms T312M.
Identifiers: ClinVar variation 98610 (VCV000098610.12), dbSNP rs61749673, ClinGen allele CA226155.